The following is an entry in ClinVar:

NM_014014.5(SNRNP200):c.997T>G (p.Leu333Val)

Gene: SNRNP200 (small nuclear ribonucleoprotein U5 subunit 200; minus strand). Cytogenetic location: 2q11.2.
Variant type: single nucleotide variant.
Coding change: c.997T>G on transcript NM_014014.5 (MANE Select); coding-DNA position 997, T replaced by G.
Protein change: p.Leu333Val; replaces leucine 333 with valine.
Molecular consequence: missense variant.
Genome position (GRCh38, 1-based): chr2:96,298,406, A>C on the plus strand (T>G on the coding strand, the complement: SNRNP200 is on the minus strand). VCF-style: chr2-96298406-A-C. GRCh37 (hg19) VCF-style: chr2-96964144-A-C.
Other names: short protein forms L333V.
Identifiers: ClinVar variation 2008043 (VCV002008043.4), dbSNP rs2467351348, ClinGen allele CA347684484.

ClinVar aggregate classification (germline): Uncertain significance (1 of 4 stars; one submission).

Submission:

Labcorp Genetics (formerly Invitae), Labcorp
Classification: Uncertain significance. Last evaluated: 2025-01-27. Review status: criteria provided, single submitter. Criteria: Invitae Variant Classification Sherloc (09022015). Collection method: clinical testing. Allele origin: germline.
Comment: This sequence change replaces leucine, which is neutral and non-polar, with valine, which is neutral and non-polar, at codon 333 of the SNRNP200 protein (p.Leu333Val). This variant is not present in population databases (gnomAD no frequency). This variant has not been reported in the literature in individuals affected with SNRNP200-related conditions. ClinVar contains an entry for this variant (Variation ID: 2008043). Invitae Evidence Modeling of protein sequence and biophysical properties (such as structural, functional, and spatial information, amino acid conservation, physicochemical variation, residue mobility, and thermodynamic stability) indicates that this missense variant is not expected to disrupt SNRNP200 protein function with a negative predictive value of 95%. In summary, the available evidence is currently insufficient to determine the role of this variant in disease. Therefore, it has been classified as a Variant of Uncertain Significance.